The following is an entry in ClinVar:

NM_000551.4(VHL):c.40G>A (p.Gly14Ser)

Gene: VHL (von Hippel-Lindau tumor suppressor; plus strand). Cytogenetic location: 3p25.3.
Variant type: single nucleotide variant.
Coding change: c.40G>A on transcript NM_000551.4 (MANE Select); coding-DNA position 40, G replaced by A.
Protein change: p.Gly14Ser; replaces glycine 14 with serine.
Molecular consequence: missense variant.
Genome position (GRCh38, 1-based): chr3:10,141,887, G>A. VCF-style: chr3-10141887-G-A. GRCh37 (hg19) VCF-style: chr3-10183571-G-A.
Other names: c.40G>A, p.Gly14Ser (NM_001354723.2, NM_198156.3); short protein forms G14S.
Identifiers: ClinVar variation 1017783 (VCV001017783.10), dbSNP rs1060503559, ClinGen allele CA351747168.

ClinVar aggregate classification (germline): Uncertain significance. Review status: criteria provided, multiple submitters, no conflicts (2 of 4 stars). 3 submissions from 3 submitters: Uncertain significance (3). Last evaluated 2025-12-14.

Conditions:
Hereditary cancer-predisposing syndrome. Also called: Tumor predisposition; Hereditary Cancer Syndrome; Neoplastic Syndromes, Hereditary; Hereditary neoplastic syndrome. Identifiers: Orphanet 140162, MedGen C0027672, MeSH D009386, MONDO:0015356.
Chuvash polycythemia. Also called: POLYCYTHEMIA, VHL-DEPENDENT. Identifiers: Orphanet 238557, MedGen C1837915, MONDO:0009892, OMIM 263400.
Von Hippel-Lindau syndrome (VHLS). Also called: VHL syndrome; von Hippel–Lindau syndrome; Von Hippel-Lindau. Identifiers: Orphanet 892, MedGen C0019562, MONDO:0008667, OMIM 193300. Disease mechanism: loss of function.

gnomAD v4.1: 1 of 1,533,118 alleles (0.000065%); no homozygotes.

Submissions (3):

Labcorp Genetics (formerly Invitae), Labcorp
Classification: Uncertain significance for Von Hippel-Lindau syndrome; Chuvash polycythemia. Last evaluated: 2025-12-14. Review status: criteria provided, single submitter. Criteria: Invitae Variant Classification Sherloc (09022015). Collection method: clinical testing. Allele origin: germline.
Comment: This sequence change replaces glycine, which is neutral and non-polar, with serine, which is neutral and polar, at codon 14 of the VHL protein (p.Gly14Ser). This variant is not present in population databases (gnomAD no frequency). This variant has not been reported in the literature in individuals affected with VHL-related conditions. ClinVar contains an entry for this variant (Variation ID: 1017783). Invitae Evidence Modeling of protein sequence and biophysical properties (such as structural, functional, and spatial information, amino acid conservation, physicochemical variation, residue mobility, and thermodynamic stability) indicates that this missense variant is not expected to disrupt VHL protein function with a negative predictive value of 95%. In summary, the available evidence is currently insufficient to determine the role of this variant in disease. Therefore, it has been classified as a Variant of Uncertain Significance.

Ambry Genetics
Classification: Uncertain significance for Hereditary cancer-predisposing syndrome. Last evaluated: 2025-06-16. Review status: criteria provided, single submitter. Criteria: Ambry Variant Classification Scheme 2023. Collection method: clinical testing. Allele origin: germline.
Comment: The p.G14S variant (also known as c.40G>A), located in coding exon 1 of the VHL gene, results from a G to A substitution at nucleotide position 40. The glycine at codon 14 is replaced by serine, an amino acid with similar properties. This amino acid position is well conserved in available vertebrate species. In addition, this alteration is predicted to be tolerated by in silico analysis. Based on the available evidence, the clinical significance of this variant remains unclear.

GeneDx
Classification: Uncertain significance. Last evaluated: 2019-04-23. Review status: criteria provided, single submitter. Criteria: GeneDx Variant Classification Process June 2021. Collection method: clinical testing. Allele origin: germline. Affected: yes.
Comment: Not observed in large population cohorts (Lek et al., 2016); Has not been previously published as pathogenic or benign to our knowledge; In silico analysis, which includes splice predictors and evolutionary conservation, suggests this variant may impact gene splicing. In the absence of RNA/functional studies, the actual effect of this sequence change is unknown.